The following is an entry in ClinVar:

ClinVar aggregate classification (germline): Likely benign (1 of 4 stars; one submission).

gnomAD v4.1: 23 of 1,211,667 alleles (0.0019%); highest among the groups gnomAD compares: South Asian, 0.039%; no homozygotes.

Submission:

CeGaT Center for Human Genetics Tuebingen
Classification: Likely benign. Last evaluated: 2026-03-01. Review status: criteria provided, single submitter. Criteria: CeGaT Center For Human Genetics Tuebingen Variant Classification Criteria Version 2. Collection method: clinical testing. Allele origin: germline. Affected: yes. Observed: 1 variant allele.
Comment: IL1RAPL1: BP4, BS2

NM_014271.4(IL1RAPL1):c.283A>C (p.Arg95=)

Gene: IL1RAPL1 (interleukin 1 receptor accessory protein like 1; plus strand). Cytogenetic location: Xp21.3.
Variant type: single nucleotide variant.
Coding change: c.283A>C on transcript NM_014271.4 (MANE Select); coding-DNA position 283, A replaced by C.
Protein change: p.Arg95=; no amino-acid change (arginine 95 retained).
Molecular consequence: synonymous variant.
Genome position (GRCh38, 1-based): chrX:29,283,138, A>C. VCF-style: chrX-29283138-A-C. GRCh37 (hg19) VCF-style: chrX-29301255-A-C.
Identifiers: ClinVar variation 4822342 (VCV004822342.4).
Genomic context (GRCh38, chrX:29,283,138, plus strand): 5'-ATGTGGTACAAAAGTTCTGGTCCTGGAGACTTTGAAGAGCCAATAGCCTTTGACGGAAGT[A>C]GAATGAGCAAAGAAGAAGACTCCATTTGGTTCCGGCCAACATTGCTACAGGACAGTGGTC-3'
Protein context (NP_055086.1, residues 85-105): FEEPIAFDGS[Arg95=]MSKEEDSIWF